The following is an entry in ClinVar:

ClinVar aggregate classification (germline): Pathogenic/Likely pathogenic. Review status: criteria provided, multiple submitters, no conflicts (2 of 4 stars). 2 submissions from 2 submitters: Pathogenic (1); Likely pathogenic (1). Last evaluated 2026-06-25.

Conditions:
Camptodactyly-arthropathy-coxa vara-pericarditis syndrome. Also called: FIBROSING SEROSITIS, FAMILIAL; JACOBS SYNDROME; PAC SYNDROME; Arthropathy camptodactyly syndrome; Pericarditis arthropathy camptodactyly syndrome; Congenital familial hypertrophic synovitis. Identifiers: Orphanet 2848, MedGen C1859690, MONDO:0008828, OMIM 208250.
PRG4-related disorder. Also called: PRG4-related condition.

Submissions (2):

PreventionGenetics, part of Exact Sciences
Classification: Likely pathogenic for PRG4-related condition. Last evaluated: 2026-06-25. Review status: criteria provided, single submitter. Criteria: ACMG Guidelines, 2015. Collection method: clinical testing. Allele origin: germline.
Comment: The PRG4 c.2894_2898del5 variant is predicted to result in a frameshift and premature protein termination (p.Thr965Argfs*11). This variant was reported in an individual with camptodactyly-arthropathy-coxa vara-pericarditis syndrome (Supplementary Table 3, Han et al. 2025. PubMed ID: 39843441). This variant has not been reported in a large population database (gnomAD), indicating this variant is rare. Frameshift variants in PRG4 are expected to be pathogenic. This variant is interpreted as likely pathogenic.

3billion
Classification: Pathogenic for Camptodactyly-arthropathy-coxa vara-pericarditis syndrome. Last evaluated: 2022-01-03. Review status: criteria provided, single submitter. Criteria: ACMG Guidelines, 2015. Collection method: clinical testing. Allele origin: germline. Affected: yes. Observed: 1 heterozygote.
Comment: Frameshift: predicted to result in a loss or disruption of normal protein function through nonsense-mediated decay (NMD) or protein truncation. Multiple pathogenic variants are reported downstream of the variant (PVS1_VS). It is not observed in the gnomAD v2.1.1 dataset (PM2_M). The variant has been reported to be associated with PRG4 related disorder (3billion dataset). Therefore, this variant is classified as pathogenic according to the recommendation of ACMG/AMP guideline.

NM_005807.6(PRG4):c.2894_2898del (p.Thr965fs)

Gene: PRG4 (proteoglycan 4; plus strand). Cytogenetic location: 1q31.1.
Variant type: Deletion.
Coding change: c.2894_2898del on transcript NM_005807.6 (MANE Select); coding-DNA positions 2894 to 2898, 5 bases deleted (CTCAA; older notation c.2894_2898delCTCAA).
Protein change: p.Thr965fs; shifts the reading frame from threonine 965.
Molecular consequence: frameshift variant.
Genome position (GRCh38, 1-based): chr1:186,308,613-186,308,617, CTCAA deleted; deleting any 5 consecutive bases within chr1:186,308,610-186,308,617 gives the same sequence; the c. name uses the placement nearest the transcript's 3' end. VCF-style (leftmost placement, unchanged base first): chr1-186308609-ACAACT-A. GRCh37 (hg19) VCF-style: chr1-186277741-ACAACT-A.
Other names: c.2894_2898del5 (NM_005807.4); c.2771_2775del, p.Thr924fs (NM_001127708.3); c.2615_2619del, p.Thr872fs (NM_001127709.3); c.2492_2496del, p.Thr831fs (NM_001127710.3); c.2765_2769del, p.Thr922fs (NM_001303232.2); short protein forms T831fs, T872fs, T922fs, T924fs, T965fs.
Identifiers: ClinVar variation 1333348 (VCV001333348.2), dbSNP rs2102028973, ClinGen allele CA2573051440.